The following is an entry in ClinVar:

NM_001367549.1(ATP13A3):c.736A>G (p.Ile246Val)

Gene: ATP13A3 (ATPase 13A3; minus strand). Cytogenetic location: 3q29.
Variant type: single nucleotide variant.
Coding change: c.736A>G on transcript NM_001367549.1 (MANE Select); coding-DNA position 736, A replaced by G.
Protein change: p.Ile246Val; replaces isoleucine 246 with valine.
Molecular consequence: missense variant. On other transcripts: non-coding transcript variant (2).
Genome position (GRCh38, 1-based): chr3:194,454,287, T>C on the plus strand (A>G on the coding strand, the complement: ATP13A3 is on the minus strand). VCF-style: chr3-194454287-T-C. GRCh37 (hg19) VCF-style: chr3-194175016-T-C.
Other names: c.655A>G, p.Ile219Val (NM_001374836.1); c.736A>G, p.Ile246Val (NM_024524.4); c.736A>G (NM_024524.3); short protein forms I246V, I219V.
Identifiers: ClinVar variation 1990274 (VCV001990274.5), dbSNP rs141547704, ClinGen allele CA2762177.

ClinVar aggregate classification (germline): Uncertain significance. Review status: criteria provided, multiple submitters, no conflicts (2 of 4 stars). 2 submissions from 2 submitters: Uncertain significance (2). Last evaluated 2024-12-09.

Allele frequency attached by ClinVar (database versions not stated): gnomAD exomes 0.00003; gnomAD 0.00008; TOPMed 0.00008; ExAC 0.00012; 1000 Genomes Project 30x 0.00016; 1000 Genomes Project 0.00020.
gnomAD v4.1: 65 of 1,608,122 alleles (0.004%); highest among the groups gnomAD compares: East Asian, 0.047%; no homozygotes.

Submissions (2):

Ambry Genetics
Classification: Uncertain significance. Last evaluated: 2024-12-09. Review status: criteria provided, single submitter. Criteria: Ambry Variant Classification Scheme 2023. Collection method: clinical testing. Allele origin: germline.

Labcorp Genetics (formerly Invitae), Labcorp
Classification: Uncertain significance. Last evaluated: 2022-08-23. Review status: criteria provided, single submitter. Criteria: Invitae Variant Classification Sherloc (09022015). Collection method: clinical testing. Allele origin: germline.
Comment: This sequence change replaces isoleucine, which is neutral and non-polar, with valine, which is neutral and non-polar, at codon 246 of the ATP13A3 protein (p.Ile246Val). This variant is present in population databases (rs141547704, gnomAD 0.1%). This variant has not been reported in the literature in individuals affected with ATP13A3-related conditions. Algorithms developed to predict the effect of missense changes on protein structure and function output the following: SIFT: "Tolerated"; PolyPhen-2: "Benign"; Align-GVGD: "Class C0". The valine amino acid residue is found in multiple mammalian species, which suggests that this missense change does not adversely affect protein function. In summary, the available evidence is currently insufficient to determine the role of this variant in disease. Therefore, it has been classified as a Variant of Uncertain Significance.